The following is an entry in ClinVar:

NM_015221.4(DNMBP):c.2261-20475C>G

Genes: DNMBP (dynamin binding protein; minus strand), DNMBP-AS1 (DNMBP antisense RNA 1; plus strand). Cytogenetic location: 10q24.2.
Variant type: single nucleotide variant.
Coding change: c.2261-20475C>G on transcript NM_015221.4 (MANE Select); 20475 bases into the intron before coding-DNA position 2261, C replaced by G.
Molecular consequence: intron variant. On other transcripts: missense variant (1).
Genome position (GRCh38, 1-based): chr10:99,929,621, G>C on the plus strand (C>G on the coding strand, the complement: DNMBP is on the minus strand). VCF-style: chr10-99929621-G-C. GRCh37 (hg19) VCF-style: chr10-101689378-G-C.
Other names: c.1143C>G, p.Ser381Arg (NM_001318326.2); short protein forms S381R.
Identifiers: ClinVar variation 3059416 (VCV003059416.2), dbSNP rs7077718, ClinGen allele CA5644981.

ClinVar aggregate classification (germline): Benign (0 of 4 stars; one submission).

Conditions:
DNMBP-related disorder. Also called: DNMBP-related condition.

Allele frequency attached by ClinVar (database versions not stated): 1000 Genomes Project 0.48682; gnomAD exomes 0.48857; 1000 Genomes Project 30x 0.49532; TOPMed 0.53661; ExAC 0.57822.
gnomAD v4.1: 336,565 of 676,142 alleles (50%); highest among the groups gnomAD compares: African/African-American, 62%; 86,529 homozygotes.

Submission:

PreventionGenetics, part of Exact Sciences
Classification: Benign for DNMBP-related condition. Last evaluated: 2019-02-18. Review status: no assertion criteria provided. Collection method: clinical testing. Allele origin: germline.
Comment: This variant is classified as benign based on ACMG/AMP sequence variant interpretation guidelines (Richards et al. 2015 PMID: 25741868, with internal and published modifications).